The following is an entry in ClinVar:

NM_012470.4(TNPO3):c.1359-73G>A

Gene: TNPO3 (transportin 3; minus strand). Cytogenetic location: 7q32.1.
Variant type: single nucleotide variant.
Coding change: c.1359-73G>A on transcript NM_012470.4 (MANE Select); 73 bases into the intron before coding-DNA position 1359, G replaced by A.
Molecular consequence: intron variant. On other transcripts: missense variant (1), non-coding transcript variant (1).
Genome position (GRCh38, 1-based): chr7:128,990,173, C>T on the plus strand (G>A on the coding strand, the complement: TNPO3 is on the minus strand). VCF-style: chr7-128990173-C-T. GRCh37 (hg19) VCF-style: chr7-128630227-C-T.
Other names: c.1388G>A, p.Arg463His (NM_001382216.1); c.1215-73G>A (NM_001382221.1); c.1212-73G>A (NM_001382222.1); c.1251-73G>A (NM_001382219.1); c.1359-73G>A (NM_001382223.1, NM_001191028.3, NM_001382220.1 and 1 more transcripts); c.1440-73G>A (NM_001382217.1); short protein forms R463H.
Identifiers: ClinVar variation 670239 (VCV000670239.5), dbSNP rs1154329, ClinGen allele CA4478159.

ClinVar aggregate classification (germline): Benign. Review status: criteria provided, multiple submitters, no conflicts (2 of 4 stars). 3 submissions from 3 submitters: Benign (3). Last evaluated 2021-09-10.

Conditions:
Autosomal dominant limb-girdle muscular dystrophy type 1F (LGMDD2). Also called: MUSCULAR DYSTROPHY, LIMB-GIRDLE, AUTOSOMAL DOMINANT 2; Limb-girdle muscular dystrophy, type 1F. Identifiers: Orphanet 55595, MedGen C1842062, MONDO:0012034, OMIM 608423.

Allele frequency attached by ClinVar (database versions not stated): gnomAD exomes 0.85189 and 0.87172; gnomAD 0.85345 and 0.85608; TOPMed 0.85749; ExAC 0.87075; 1000 Genomes Project 30x 0.88804; 1000 Genomes Project 0.88958.
gnomAD v4.1: 1,332,194 of 1,562,586 alleles (85%); highest among the groups gnomAD compares: East Asian, 99%; 568,450 homozygotes.

Submissions (3):

Genome-Nilou Lab
Classification: Benign for Autosomal dominant limb-girdle muscular dystrophy type 1F. Last evaluated: 2021-09-10. Review status: criteria provided, single submitter. Criteria: ACMG Guidelines, 2015. Collection method: clinical testing. Allele origin: germline. Affected: no.

GeneDx
Classification: Benign. Last evaluated: 2018-06-14. Review status: criteria provided, single submitter. Criteria: GeneDx Variant Classification (06012015). Collection method: clinical testing. Allele origin: germline. Affected: yes.
Comment: This variant is considered likely benign or benign based on one or more of the following criteria: it is a conservative change, it occurs at a poorly conserved position in the protein, it is predicted to be benign by multiple in silico algorithms, and/or has population frequency not consistent with disease.

Breakthrough Genomics
Classification: Benign. Review status: criteria provided, single submitter. Criteria: ACMG Guidelines, 2015. Collection method: not provided. Allele origin: germline. Inheritance: Autosomal dominant inheritance. Affected: yes.